The following is an entry in ClinVar:

NM_001165963.4(SCN1A):c.5218G>A (p.Asp1740Asn)

Genes: SCN1A (sodium voltage-gated channel alpha subunit 1; minus strand), LOC102724058 (uncharacterized LOC102724058; plus strand). Cytogenetic location: 2q24.3.
Variant type: single nucleotide variant.
Coding change: c.5218G>A on transcript NM_001165963.4 (MANE Select); coding-DNA position 5218, G replaced by A.
Protein change: p.Asp1740Asn; replaces aspartic acid 1740 with asparagine.
Molecular consequence: missense variant. On other transcripts: non-coding transcript variant (1).
Genome position (GRCh38, 1-based): chr2:165,992,057, C>T on the plus strand (G>A on the coding strand, the complement: SCN1A is on the minus strand). VCF-style: chr2-165992057-C-T. GRCh37 (hg19) VCF-style: chr2-166848567-C-T.
Other names: p.D1740N:GAC>AAC; c.5134G>A, p.Asp1712Asn (NM_001165964.3, NM_001353957.2, NM_001353958.2); c.5218G>A, p.Asp1740Asn (NM_001202435.3, NM_001353948.2); c.5185G>A, p.Asp1729Asn (NM_001353949.2, NM_001353950.2, NM_001353951.2 and 2 more transcripts); c.5182G>A, p.Asp1728Asn (NM_001353954.2, NM_001353955.2); c.5131G>A, p.Asp1711Asn (NM_001353960.2); c.2776G>A, p.Asp926Asn (NM_001353961.2); short protein forms D1729N, D1740N, D1711N, D926N, D1728N, D1712N.
Identifiers: ClinVar variation 206861 (VCV000206861.24), dbSNP rs796053035, ClinGen allele CA317589.

ClinVar aggregate classification (germline): Conflicting classifications of pathogenicity. Review status: criteria provided, conflicting classifications (1 of 4 stars). 6 submissions from 6 submitters: Pathogenic (2); Likely pathogenic (3); Uncertain significance (1). Last evaluated 2026-01-06.

Conditions:
Autosomal dominant epilepsy.
Early-infantile DEE. Also called: Ohtahara syndrome; Early infantile epileptic encephalopathy; Early infantile epileptic encephalopathy with suppression bursts. Identifiers: Orphanet 1934, MedGen C0393706, MONDO:0800491.
Inborn genetic diseases. Identifiers: MedGen C0950123, MeSH D030342.
Generalized epilepsy with febrile seizures plus, type 2 (GEFSP2). Also called: GEFS+, TYPE 2. Identifiers: Orphanet 36387, MedGen C1858673, MONDO:0011461, OMIM 604403.

Allele frequency attached by ClinVar (database versions not stated): gnomAD exomes below 0.00001.
gnomAD v4.1: 1 of 1,613,932 alleles (0.000062%); highest among the groups gnomAD compares: Non-Finnish European, 0.000085%; no homozygotes.

Submissions (6):

Labcorp Genetics (formerly Invitae), Labcorp
Classification: Pathogenic for Early-infantile DEE. Last evaluated: 2026-01-06. Review status: criteria provided, single submitter. Criteria: Invitae Variant Classification Sherloc (09022015). Collection method: clinical testing. Allele origin: germline.
Comment: This sequence change replaces aspartic acid, which is acidic and polar, with asparagine, which is neutral and polar, at codon 1740 of the SCN1A protein (p.Asp1740Asn). This variant is not present in population databases (gnomAD no frequency). This missense change has been observed in individuals with clinical features of genetic epilepsy with febrile seizures plus and/or neurodevelopmental disorders (PMID: 28842445, 29655203; internal data). It has also been observed to segregate with disease in related individuals. ClinVar contains an entry for this variant (Variation ID: 206861). Invitae Evidence Modeling of protein sequence and biophysical properties (such as structural, functional, and spatial information, amino acid conservation, physicochemical variation, residue mobility, and thermodynamic stability) indicates that this missense variant is expected to disrupt SCN1A protein function with a positive predictive value of 95%. For these reasons, this variant has been classified as Pathogenic.

GeneDx
Classification: Pathogenic. Last evaluated: 2025-09-15. Review status: criteria provided, single submitter. Criteria: GeneDx Variant Classification Process June 2021. Collection method: clinical testing. Allele origin: germline. Affected: yes.
Comment: Not observed at significant frequency in large population cohorts (gnomAD); This substitution is predicted to be within the extracellular loop between the S5 and S6 transmembrane segments of the fourth homologous domain; In silico analysis supports that this missense variant has a deleterious effect on protein structure/function; This variant is associated with the following publications: (PMID: 28842445, 29655203, 35074891)

Revvity Omics, Revvity
Classification: Uncertain significance. Last evaluated: 2025-06-12. Review status: criteria provided, single submitter. Criteria: ACMG Guidelines, 2015. Collection method: clinical testing. Allele origin: germline.

Women's Health and Genetics/Laboratory Corporation of America, LabCorp
Classification: Likely pathogenic for Autosomal dominant epilepsy. Last evaluated: 2018-05-30. Review status: criteria provided, single submitter. Criteria: LabCorp Variant Classification Summary - May 2015. Collection method: clinical testing. Allele origin: germline.
Comment: Variant summary: SCN1A c.5218G>A (p.Asp1740Asn) results in a conservative amino acid change located in the Ion transport domain of the encoded protein sequence. Four of five in-silico tools predict a damaging effect of the variant on protein function. The variant was absent in 246008 control chromosomes (gnomAD). The variant, c.5218G>A, was found to segregate within a SCN1A-Related Seizure Disorder family (Zhang_2017). Based on the evidence outlined above, the variant was classified as likely pathogenic.

Ambry Genetics
Classification: Likely pathogenic for Inborn genetic diseases. Last evaluated: 2017-12-15. Review status: criteria provided, single submitter. Criteria: Ambry Variant Classification Scheme 2023. Collection method: clinical testing. Allele origin: germline.
Comment: The p.D1740N variant (also known as c.5218G>A), located in coding exon 26 of the SCN1A gene, results from a G to A substitution at nucleotide position 5218. The aspartic acid at codon 1740 is replaced by asparagine, an amino acid with highly similar properties. This alteration was identified in a multi-generational family of individuals with febrile, focal,and afebrile generalized tonic-clonic seizures (Zhang YH et al. Neurology, 2017 Sep;89:1210-1219). Internal structural analysis indicates that this variant is deleterious (Ambry internal data; Wu J et al. Science, 2015 Dec;350:aad2395 and Yan Z et al. Cell, 2017 Jul;170:470-482.e11). This amino acid position is highly conserved in available vertebrate species. In addition, the in silico prediction for this alteration is inconclusive. Based on the majority of available evidence to date, this variant is likely to be pathogenic.

Juno Genomics, Hangzhou Juno Genomics, Inc
Classification: Likely pathogenic for Generalized epilepsy with febrile seizures plus, type 2. Review status: criteria provided, single submitter. Criteria: ACMG Guidelines, 2015. Collection method: clinical testing. Allele origin: germline. Affected: yes.
Comment: Absent from controls (or at extremely low frequency if recessive) in Genome Aggregation Database, Exome Sequencing Project, 1000 Genomes Project, or Exome Aggregation Consortium.;The prevalence of the variant in affected individuals is significantly increased compared to the prevalence in controls.;Co-segregation with disease in multiple affected family members in a gene definitively known to cause the disease.;Missense variant in a gene that has a low rate of benign missense variation and where missense variants are a common mechanism of disease.;Multiple lines of computational evidence support a deleterious effect on the gene or gene product (conservation, evolutionary, splicing impact, etc).

Literature cited by the submitters: PubMed 28842445 (cited by 3 submitters); PubMed 29655203 (cited by Labcorp Genetics (formerly Invitae), Labcorp); PubMed 26680202 (cited by Ambry Genetics); PubMed 28735751 (cited by Ambry Genetics).